The following is an entry in ClinVar:

NM_013339.4(ALG6):c.178A>C (p.Ser60Arg)

Gene: ALG6 (ALG6 alpha-1,3-glucosyltransferase; plus strand). Cytogenetic location: 1p31.3.
Variant type: single nucleotide variant.
Coding change: c.178A>C on transcript NM_013339.4 (MANE Select); coding-DNA position 178, A replaced by C.
Protein change: p.Ser60Arg; replaces serine 60 with arginine.
Molecular consequence: missense variant.
Genome position (GRCh38, 1-based): chr1:63,402,264, A>C. VCF-style: chr1-63402264-A-C. GRCh37 (hg19) VCF-style: chr1-63867935-A-C.
Other names: short protein forms S60R.
Identifiers: ClinVar variation 1387203 (VCV001387203.6), dbSNP rs1330438032, ClinGen allele CA340634054.
Genomic context (GRCh38, chr1:63,402,264, plus strand): 5'-CTTGAATATTGATTAACGGAATGGTGCTTTCTTCTTTTTTTCTTTTTCAGGTATTTTAAC[A>C]GCAGTGATAACAATTTACAGTATTGGGGATTGGATTACCCACCTCTTACAGCTTATCATA-3'
Protein context (NP_037471.2, residues 50-70): NLPVKQWYFN[Ser60Arg]SDNNLQYWGL

ClinVar aggregate classification (germline): Uncertain significance. Review status: criteria provided, multiple submitters, no conflicts (2 of 4 stars). 2 submissions from 2 submitters: Uncertain significance (2). Last evaluated 2024-05-07.

Conditions:
ALG6-congenital disorder of glycosylation 1C (CDG1C). Also called: CDG Ic; CARBOHYDRATE-DEFICIENT GLYCOPROTEIN SYNDROME, TYPE I, WITH DEFICIENT GLYCOSYLATION OF DOLICHOL-LINKED OLIGOSACCHARIDE; CARBOHYDRATE-DEFICIENT GLYCOPROTEIN SYNDROME, TYPE V; Congenital disorder of glycosylation type 1C; Congenital disorder of glycosylation, type Ic. Identifiers: Orphanet 79320, MedGen C2930997, MONDO:0011291, OMIM 603147.

Allele frequency attached by ClinVar (database versions not stated): gnomAD exomes below 0.00001.
gnomAD v4.1: 8 of 1,601,546 alleles (0.0005%); highest among the groups gnomAD compares: Non-Finnish European, 0.00051%; no homozygotes.

Submissions (2):

Blueprint Genetics
Classification: Uncertain significance. Last evaluated: 2024-05-07. Review status: criteria provided, single submitter. Criteria: ACMG Guidelines, 2015. Collection method: clinical testing. Allele origin: germline.

Labcorp Genetics (formerly Invitae), Labcorp
Classification: Uncertain significance for ALG6-congenital disorder of glycosylation 1C. Last evaluated: 2021-08-26. Review status: criteria provided, single submitter. Criteria: Invitae Variant Classification Sherloc (09022015). Collection method: clinical testing. Allele origin: germline.
Comment: This sequence change replaces serine with arginine at codon 60 of the ALG6 protein (p.Ser60Arg). The serine residue is moderately conserved and there is a moderate physicochemical difference between serine and arginine. This variant is not present in population databases (ExAC no frequency). This variant has not been reported in the literature in individuals affected with ALG6-related conditions. Algorithms developed to predict the effect of missense changes on protein structure and function are either unavailable or do not agree on the potential impact of this missense change (SIFT: "Deleterious"; PolyPhen-2: "Possibly Damaging"; Align-GVGD: "Class C0"). In summary, the available evidence is currently insufficient to determine the role of this variant in disease. Therefore, it has been classified as a Variant of Uncertain Significance.